The following is an entry in ClinVar:

ClinVar aggregate classification (germline): Likely pathogenic (0 of 4 stars; one submission).

Conditions:
VPS13A-related disorder. Also called: VPS13A-related condition.

Submission:

PreventionGenetics, part of Exact Sciences
Classification: Likely pathogenic for VPS13A-related condition. Last evaluated: 2024-05-29. Review status: no assertion criteria provided. Collection method: clinical testing. Allele origin: germline.
Comment: The VPS13A c.9443_9447dup5 variant is predicted to result in premature protein termination (p.Asn3150*). To our knowledge, this variant has not been reported in the literature or in a large population database, indicating this variant is rare. Nonsense variants in VPS13A are expected to be pathogenic. This variant is interpreted as likely pathogenic.

NM_033305.3(VPS13A):c.9443_9447dup (p.Asn3150Ter)

Gene: VPS13A (vacuolar protein sorting 13 homolog A; plus strand). Cytogenetic location: 9q21.2.
Variant type: Duplication.
Coding change: c.9443_9447dup on transcript NM_033305.3 (MANE Select); coding-DNA positions 9443 to 9447, 5 bases duplicated (TAATT; older notation c.9443_9447dupTAATT).
Protein change: p.Asn3150Ter; replaces asparagine 3150 with a stop codon.
Molecular consequence: nonsense.
Genome position (GRCh38, 1-based): chr9:77,407,576-77,407,580, TAATT duplicated. VCF-style (leftmost placement, unchanged base first): chr9-77407575-A-ATAATT. GRCh37 (hg19) VCF-style: chr9-80022491-A-ATAATT.
Other names: c.9326_9330dup, p.Asn3111Ter (NM_001018037.2); short protein forms N3111*, N3150*.
Identifiers: ClinVar variation 3354320 (VCV003354320.1).